The following is an entry in ClinVar:

NM_006397.3(RNASEH2A):c.749A>C (p.Glu250Ala)

Gene: RNASEH2A (ribonuclease H2 subunit A; plus strand). Cytogenetic location: 19p13.13.
Variant type: single nucleotide variant.
Coding change: c.749A>C on transcript NM_006397.3 (MANE Select); coding-DNA position 749, A replaced by C.
Protein change: p.Glu250Ala; replaces glutamic acid 250 with alanine.
Molecular consequence: missense variant.
Genome position (GRCh38, 1-based): chr19:12,813,194, A>C. VCF-style: chr19-12813194-A-C. GRCh37 (hg19) VCF-style: chr19-12924008-A-C.
Other names: short protein forms E250A.
Identifiers: ClinVar variation 1370013 (VCV001370013.5), dbSNP rs1157218789, ClinGen allele CA404269444.
Genomic context (GRCh38, chr19:12,813,194, plus strand): 5'-TCCCCCAGTTTGTCCGGTTCAGCTGGCGCACGGCCCAGACCATCCTGGAGAAAGAGGCGG[A>C]AGATGTTATATGGTGGGTGTCATGGATGTCCTGGGGGTGCTATAGGGAAGGAAGGAGGGA-3'
Protein context (NP_006388.2, residues 240-260): TAQTILEKEA[Glu250Ala]DVIWEDSASE

ClinVar aggregate classification (germline): Uncertain significance (1 of 4 stars; one submission).

Conditions:
Aicardi-Goutieres syndrome 4. Identifiers: Orphanet 51, MedGen C1835912, MONDO:0012472, OMIM 610333.

Submission:

Labcorp Genetics (formerly Invitae), Labcorp
Classification: Uncertain significance for Aicardi-Goutieres syndrome 4. Last evaluated: 2022-06-10. Review status: criteria provided, single submitter. Criteria: Invitae Variant Classification Sherloc (09022015). Collection method: clinical testing. Allele origin: germline.
Comment: This sequence change replaces glutamic acid, which is acidic and polar, with alanine, which is neutral and non-polar, at codon 250 of the RNASEH2A protein (p.Glu250Ala). This variant is not present in population databases (gnomAD no frequency). This variant has not been reported in the literature in individuals affected with RNASEH2A-related conditions. Algorithms developed to predict the effect of missense changes on protein structure and function (SIFT, PolyPhen-2, Align-GVGD) all suggest that this variant is likely to be tolerated. In summary, the available evidence is currently insufficient to determine the role of this variant in disease. Therefore, it has been classified as a Variant of Uncertain Significance.